The following is an entry in ClinVar:

ClinVar aggregate classification (germline): Likely benign. Review status: criteria provided, single submitter (1 of 4 stars). 2 submissions from 2 submitters: Likely benign (1). 1 of the submissions does not count toward it. Last evaluated 2025-10-02.

Conditions:
PROKR2-related disorder. Also called: PROKR2-related condition.

Allele frequency attached by ClinVar (database versions not stated): TOPMed 0.00005; gnomAD exomes 0.00006; gnomAD 0.00007; ExAC 0.00014; 1000 Genomes Project 30x 0.00031; 1000 Genomes Project 0.00040.
gnomAD v4.1: 105 of 1,614,240 alleles (0.0065%); highest among the groups gnomAD compares: East Asian, 0.045%; no homozygotes.

Submissions (2):

Labcorp Genetics (formerly Invitae), Labcorp
Classification: Likely benign. Last evaluated: 2025-10-02. Review status: criteria provided, single submitter. Criteria: Invitae Variant Classification Sherloc (09022015). Collection method: clinical testing. Allele origin: germline.

PreventionGenetics, part of Exact Sciences
Classification: Likely benign for PROKR2-related condition. Last evaluated: 2019-06-18. Review status: no assertion criteria provided. Collection method: clinical testing. Allele origin: germline. Not counted in ClinVar's aggregate classification.
Comment: This variant is classified as likely benign based on ACMG/AMP sequence variant interpretation guidelines (Richards et al. 2015 PMID: 25741868, with internal and published modifications).

NM_144773.4(PROKR2):c.381C>G (p.Leu127=)

Gene: PROKR2 (prokineticin receptor 2; minus strand). Cytogenetic location: 20p12.3.
Variant type: single nucleotide variant.
Coding change: c.381C>G on transcript NM_144773.4 (MANE Select); coding-DNA position 381, C replaced by G.
Protein change: p.Leu127=; no amino-acid change (leucine 127 retained).
Molecular consequence: synonymous variant.
Genome position (GRCh38, 1-based): chr20:5,313,989, G>C on the plus strand (C>G on the coding strand, the complement: PROKR2 is on the minus strand). VCF-style: chr20-5313989-G-C. GRCh37 (hg19) VCF-style: chr20-5294635-G-C.
Identifiers: ClinVar variation 2182552 (VCV002182552.6), dbSNP rs189546592, ClinGen allele CA9754367.